The following is an entry in ClinVar:

NM_001365536.1(SCN9A):c.3433C>T (p.Pro1145Ser)

Genes: SCN1A-AS1 (SCN1A and SCN9A antisense RNA 1; plus strand), SCN9A (sodium voltage-gated channel alpha subunit 9; minus strand). Cytogenetic location: 2q24.3.
Variant type: single nucleotide variant.
Coding change: c.3433C>T on transcript NM_001365536.1 (MANE Select); coding-DNA position 3433, C replaced by T.
Protein change: p.Pro1145Ser; replaces proline 1145 with serine.
Molecular consequence: missense variant. On other transcripts: non-coding transcript variant (1).
Genome position (GRCh38, 1-based): chr2:166,251,804, G>A on the plus strand (C>T on the coding strand, the complement: SCN9A is on the minus strand). VCF-style: chr2-166251804-G-A. GRCh37 (hg19) VCF-style: chr2-167108314-G-A.
Other names: c.3400C>T, p.Pro1134Ser (NM_002977.4); short protein forms P1145S, P1134S.
Identifiers: ClinVar variation 936500 (VCV000936500.11), dbSNP rs1696052082, ClinGen allele CA349071899.

ClinVar aggregate classification (germline): Uncertain significance. Review status: criteria provided, multiple submitters, no conflicts (2 of 4 stars). 2 submissions from 2 submitters: Uncertain significance (2). Last evaluated 2020-12-13.

Conditions:
Neuropathy, hereditary sensory and autonomic, type 2A (HSAN2A). Also called: WNK1-Related HSAN2 (HSAN2A); HSAN IIA; MORVAN DISEASE; NEUROPATHY, CONGENITAL SENSORY; NEUROPATHY, HEREDITARY SENSORY RADICULAR, AUTOSOMAL RECESSIVE; NEUROPATHY, HEREDITARY SENSORY, TYPE IIA. Identifiers: Orphanet 970, MedGen C2752089, MONDO:0024309, OMIM 201300.
Generalized epilepsy with febrile seizures plus, type 7 (GEFSP7). Also called: GEFS+, TYPE 7. Identifiers: Orphanet 36387, MedGen C2751778, MONDO:0013470, OMIM 613863.

Submissions (2):

Blueprint Genetics
Classification: Uncertain significance. Last evaluated: 2020-12-13. Review status: criteria provided, single submitter. Criteria: ACMG Guidelines, 2015. Collection method: clinical testing. Allele origin: germline.

Labcorp Genetics (formerly Invitae), Labcorp
Classification: Uncertain significance for Neuropathy, hereditary sensory and autonomic, type 2A; Generalized epilepsy with febrile seizures plus, type 7. Last evaluated: 2019-06-12. Review status: criteria provided, single submitter. Criteria: Invitae Variant Classification Sherloc (09022015). Collection method: clinical testing. Allele origin: germline.
Comment: This sequence change replaces proline with serine at codon 1134 of the SCN9A protein (p.Pro1134Ser). The proline residue is highly conserved and there is a moderate physicochemical difference between proline and serine. In summary, the available evidence is currently insufficient to determine the role of this variant in disease. Therefore, it has been classified as a Variant of Uncertain Significance. Algorithms developed to predict the effect of missense changes on protein structure and function output the following: SIFT: "Tolerated"; PolyPhen-2: "Benign"; Align-GVGD: "Class C0". The serine amino acid residue is found in multiple mammalian species, suggesting that this missense change does not adversely affect protein function. These predictions have not been confirmed by published functional studies and their clinical significance is uncertain. This variant has not been reported in the literature in individuals with SCN9A-related conditions. This variant is not present in population databases (ExAC no frequency).